The following is an entry in ClinVar:

ClinVar aggregate classification (germline): Pathogenic. Review status: reviewed by expert panel (3 of 4 stars). 5 submissions from 5 submitters: Pathogenic (1). 4 of the submissions do not count toward it. Last evaluated 2016-10-18.

Conditions:
Hereditary cancer-predisposing syndrome. Also called: Hereditary neoplastic syndrome; Neoplastic Syndromes, Hereditary; Tumor predisposition; Hereditary Cancer Syndrome. Identifiers: Orphanet 140162, MedGen C0027672, MeSH D009386, MONDO:0015356.
Breast-ovarian cancer, familial, susceptibility to, 2 (BROVCA2). Also called: BRCA2 Hereditary Breast and Ovarian Cancer. Identifiers: Orphanet 145, MedGen C2675520, MONDO:0012933, OMIM 612555. Disease mechanism: loss of function.
Hereditary breast ovarian cancer syndrome. Also called: BRCA1- and BRCA2-Associated Hereditary Breast and Ovarian Cancer; Hereditary breast and ovarian cancer; Breast and ovarian cancer; Hereditary breast and/or ovarian cancer syndrome; Hereditary breast and ovarian cancer syndrome; Hereditary breast and ovarian cancer syndrome (HBOC). Identifiers: Orphanet 145, MedGen C0677776, MeSH D061325, MONDO:0003582. Disease mechanism: loss of function.

Submissions (5):

Evidence-based Network for the Interpretation of Germline Mutant Alleles (ENIGMA)
Classification: Pathogenic for Breast-ovarian cancer, familial, susceptibility to, 2. Last evaluated: 2016-10-18. Review status: reviewed by expert panel. Criteria: ENIGMA BRCA1/2 Classification Criteria (2015). Collection method: curation. Allele origin: germline.
Comment: Variant allele predicted to encode a truncated non-functional protein.

Ambry Genetics
Classification: Pathogenic for Hereditary cancer-predisposing syndrome. Last evaluated: 2020-10-01. Review status: criteria provided, single submitter. Criteria: Ambry Variant Classification Scheme 2023. Collection method: clinical testing. Allele origin: germline. Not counted in ClinVar's aggregate classification.
Comment: The p.E2981* pathogenic mutation (also known as c.8941G>T), located in coding exon 21 of the BRCA2 gene, results from a G to T substitution at nucleotide position 8941. This changes the amino acid from a glutamic acid to a stop codon within coding exon 21. This alteration was also identified in a large, worldwide study of BRCA1/2 mutation positive families (Rebbeck TR et al. Hum. Mutat., 2018 05;39:593-620). In addition to the clinical data presented in the literature, this alteration is expected to result in loss of function by premature protein truncation or nonsense-mediated mRNA decay. As such, this alteration is interpreted as a disease-causing mutation.

Labcorp Genetics (formerly Invitae), Labcorp
Classification: Pathogenic for Hereditary breast ovarian cancer syndrome. Last evaluated: 2019-10-30. Review status: criteria provided, single submitter. Criteria: Invitae Variant Classification Sherloc (09022015). Collection method: clinical testing. Allele origin: germline. Not counted in ClinVar's aggregate classification.
Comment: This sequence change creates a premature translational stop signal (p.Glu2981*) in the BRCA2 gene. It is expected to result in an absent or disrupted protein product. This variant is not present in population databases (ExAC no frequency). This variant has been observed in individual(s) with clinical features of hereditary breast and ovarian cancer (PMID: 29088781, 29446198). ClinVar contains an entry for this variant (Variation ID: 267121). Loss-of-function variants in BRCA2 are known to be pathogenic (PMID: 20104584). For these reasons, this variant has been classified as Pathogenic.

Consortium of Investigators of Modifiers of BRCA1/2 (CIMBA), c/o University of Cambridge
Classification: Pathogenic for Breast-ovarian cancer, familial, susceptibility to, 2. Last evaluated: 2015-10-02. Review status: criteria provided, single submitter. Criteria: CIMBA Mutation Classification guidelines May 2016. Collection method: clinical testing. Allele origin: germline. Not counted in ClinVar's aggregate classification.

Research Molecular Genetics Laboratory, Women's College Hospital, University of Toronto
Classification: Pathogenic for Hereditary breast ovarian cancer syndrome. Last evaluated: 2014-01-31. Review status: no assertion criteria provided. Collection method: research. Allele origin: germline. Affected: yes. Study: The Canadian Open Genetics Repository (COGR). Not counted in ClinVar's aggregate classification.

Literature cited by the submitters: PubMed 29088781 (cited by Ambry Genetics and Labcorp Genetics (formerly Invitae), Labcorp); PubMed 29446198 (cited by Ambry Genetics and Labcorp Genetics (formerly Invitae), Labcorp); PubMed 20104584 (cited by Labcorp Genetics (formerly Invitae), Labcorp).

NM_000059.4(BRCA2):c.8941G>T (p.Glu2981Ter)

Gene: BRCA2 (BRCA2 DNA repair associated; plus strand). Cytogenetic location: 13q13.1.
Variant type: single nucleotide variant.
Coding change: c.8941G>T on transcript NM_000059.4 (MANE Select); coding-DNA position 8941, G replaced by T.
Protein change: p.Glu2981Ter; replaces glutamic acid 2981 with a stop codon.
Molecular consequence: nonsense.
Genome position (GRCh38, 1-based): chr13:32,379,503, G>T. VCF-style: chr13-32379503-G-T. GRCh37 (hg19) VCF-style: chr13-32953640-G-T.
Other names: 9169C>T; short protein forms E2981*.
Identifiers: ClinVar variation 267121 (VCV000267121.17), dbSNP rs139052578, ClinGen allele CA10589528.